The following is an entry in ClinVar:

NM_000548.5(TSC2):c.2743-7C>G

Gene: TSC2 (TSC complex subunit 2; plus strand). Cytogenetic location: 16p13.3.
Variant type: single nucleotide variant.
Coding change: c.2743-7C>G on transcript NM_000548.5 (MANE Select); 7 bases into the intron before coding-DNA position 2743, C replaced by G.
Molecular consequence: intron variant.
Genome position (GRCh38, 1-based): chr16:2,076,484, C>G. VCF-style: chr16-2076484-C-G. GRCh37 (hg19) VCF-style: chr16-2126485-C-G.
Other names: c.2743-7C>G (NM_000548.4, NM_001114382.3, NM_021055.3 and 4 more transcripts); c.2632-7C>G (NM_001318827.2); c.2143-7C>G (NM_001318831.2); c.2596-7C>G (NM_001318829.2); c.2776-7C>G (NM_001318832.2).
Identifiers: ClinVar variation 207674 (VCV000207674.26), dbSNP rs566118686, ClinGen allele CA041706.

ClinVar aggregate classification (germline): Benign/Likely benign. Review status: criteria provided, multiple submitters, no conflicts (2 of 4 stars). 10 submissions from 10 submitters: Benign (5); Likely benign (5). Last evaluated 2026-06-02.

Conditions:
Tuberous sclerosis syndrome (TSC). Also called: Tuberous Sclerosis Complex; Tuberous sclerosis. Identifiers: Orphanet 805, MedGen C0041341, MONDO:0001734.
TSC2-related disorder. Also called: TSC2-Related Disorders; TSC2-related condition.
Hereditary cancer-predisposing syndrome. Also called: Tumor predisposition; Neoplastic Syndromes, Hereditary; Hereditary Cancer Syndrome; Hereditary neoplastic syndrome. Identifiers: Orphanet 140162, MedGen C0027672, MeSH D009386, MONDO:0015356.
Tuberous sclerosis 2 (TSC2). Identifiers: Orphanet 805, MedGen C1860707, MONDO:0013199, OMIM 613254.

Allele frequency attached by ClinVar (database versions not stated): gnomAD 0.00001; TOPMed 0.00005; ExAC 0.00015; gnomAD exomes 0.00015; 1000 Genomes Project 30x 0.00016; 1000 Genomes Project 0.00020.
gnomAD v4.1: 40 of 1,613,342 alleles (0.0025%); highest among the groups gnomAD compares: Admixed American, 0.063%; no homozygotes.

Submissions (10):

Myriad Genetics, Inc.
Classification: Likely benign for Tuberous sclerosis 2. Last evaluated: 2026-06-02. Review status: criteria provided, single submitter. Criteria: Myriad Autosomal Dominant, Autosomal Recessive and X-Linked Classification Criteria (2023). Collection method: clinical testing. Allele origin: unknown.
Comment: This variant is considered likely benign. This variant is intronic and is not expected to impact mRNA splicing. Homozygosity has been confirmed in one or more individuals. As homozygosity for pathogenic variants in this gene is generally assumed to result in embryonic lethality, this variant is unlikely to be pathogenic.

CeGaT Center for Human Genetics Tuebingen
Classification: Likely benign. Last evaluated: 2026-06-01. Review status: criteria provided, single submitter. Criteria: CeGaT Center For Human Genetics Tuebingen Variant Classification Criteria Version 2. Collection method: clinical testing. Allele origin: germline. Affected: yes. Observed: 3 variant alleles.
Comment: TSC2: BP4

PreventionGenetics, part of Exact Sciences
Classification: Likely benign for TSC2-related condition. Last evaluated: 2026-01-28. Review status: criteria provided, single submitter. Criteria: ACMG Guidelines, 2015. Collection method: clinical testing. Allele origin: germline.
Comment: This variant is classified as likely benign based on ACMG/AMP sequence variant interpretation guidelines (Richards et al. 2015 PMID: 25741868, with internal and published modifications).

Labcorp Genetics (formerly Invitae), Labcorp
Classification: Benign for Tuberous sclerosis 2. Last evaluated: 2026-01-19. Review status: criteria provided, single submitter. Criteria: Invitae Variant Classification Sherloc (09022015). Collection method: clinical testing. Allele origin: germline.

Quest Diagnostics Nichols Institute San Juan Capistrano
Classification: Benign. Last evaluated: 2025-06-18. Review status: criteria provided, single submitter. Criteria: Quest Diagnostics criteria. Collection method: clinical testing. Allele origin: unknown.

All of Us Research Program, National Institutes of Health
Classification: Likely benign for Tuberous sclerosis syndrome. Last evaluated: 2024-01-03. Review status: criteria provided, single submitter. Criteria: ACMG Guidelines, 2015. Collection method: clinical testing. Allele origin: germline. Inheritance: Autosomal dominant inheritance. Observed: 9 variant alleles, 9 heterozygotes.
Comment: This study involves interpretation of variants in research participants for the purpose of population health screening. Participant phenotype was not available at the time of variant classification. Additional details can be found in publication PMID: 35346344, PMCID: PMC8962531

Color Diagnostics, LLC DBA Color Health
Classification: Likely benign for Tuberous sclerosis syndrome. Last evaluated: 2022-11-29. Review status: criteria provided, single submitter. Criteria: ACMG Guidelines, 2015. Collection method: clinical testing. Allele origin: germline.

Sema4
Classification: Benign for Hereditary cancer-predisposing syndrome. Last evaluated: 2022-01-09. Review status: criteria provided, single submitter. Criteria: Sema4 Curation Guidelines. Collection method: curation. Allele origin: germline.

Genome-Nilou Lab
Classification: Benign for Tuberous sclerosis 2. Last evaluated: 2021-11-07. Review status: criteria provided, single submitter. Criteria: ACMG Guidelines, 2015. Collection method: clinical testing. Allele origin: germline. Affected: no.

GeneDx
Classification: Benign. Last evaluated: 2020-04-07. Review status: criteria provided, single submitter. Criteria: GeneDx Variant Classification Process June 2021. Collection method: clinical testing. Allele origin: germline. Affected: yes.